The following is an entry in ClinVar:

ClinVar aggregate classification (germline): Uncertain significance (1 of 4 stars; one submission).

Submission:

Labcorp Genetics (formerly Invitae), Labcorp
Classification: Uncertain significance. Last evaluated: 2022-07-30. Review status: criteria provided, single submitter. Criteria: Invitae Variant Classification Sherloc (09022015). Collection method: clinical testing. Allele origin: germline.
Comment: This sequence change replaces glutamine, which is neutral and polar, with histidine, which is basic and polar, at codon 2263 of the POLE protein (p.Gln2263His). This variant is not present in population databases (gnomAD no frequency). This variant has not been reported in the literature in individuals affected with POLE-related conditions. Algorithms developed to predict the effect of missense changes on protein structure and function (SIFT, PolyPhen-2, Align-GVGD) all suggest that this variant is likely to be tolerated. In summary, the available evidence is currently insufficient to determine the role of this variant in disease. Therefore, it has been classified as a Variant of Uncertain Significance.

NM_006231.4(POLE):c.6789G>C (p.Gln2263His)

Gene: POLE (DNA polymerase epsilon, catalytic subunit; minus strand). Cytogenetic location: 12q24.33.
Variant type: single nucleotide variant.
Coding change: c.6789G>C on transcript NM_006231.4 (MANE Select); coding-DNA position 6789, G replaced by C.
Protein change: p.Gln2263His; replaces glutamine 2263 with histidine.
Molecular consequence: missense variant.
Genome position (GRCh38, 1-based): chr12:132,624,769, C>G on the plus strand (G>C on the coding strand, the complement: POLE is on the minus strand). VCF-style: chr12-132624769-C-G. GRCh37 (hg19) VCF-style: chr12-133201355-C-G.
Other names: short protein forms Q2263H.
Identifiers: ClinVar variation 1714335 (VCV001714335.5), dbSNP rs1593693493, ClinGen allele CA387365790.